The following is an entry in ClinVar:

ClinVar aggregate classification (germline): Uncertain significance (1 of 4 stars; one submission).

gnomAD v4.1: 4 of 1,607,770 alleles (0.00025%); highest among the groups gnomAD compares: Non-Finnish European, 0.00017%; no homozygotes.

Submission:

Labcorp Genetics (formerly Invitae), Labcorp
Classification: Uncertain significance. Last evaluated: 2025-01-13. Review status: criteria provided, single submitter. Criteria: Invitae Variant Classification Sherloc (09022015). Collection method: clinical testing. Allele origin: germline.
Comment: This sequence change replaces aspartic acid, which is acidic and polar, with glutamic acid, which is acidic and polar, at codon 109 of the IHH protein (p.Asp109Glu). This variant is not present in population databases (gnomAD no frequency). This variant has not been reported in the literature in individuals affected with IHH-related conditions. Invitae Evidence Modeling of protein sequence and biophysical properties (such as structural, functional, and spatial information, amino acid conservation, physicochemical variation, residue mobility, and thermodynamic stability) indicates that this missense variant is not expected to disrupt IHH protein function with a negative predictive value of 80%. In summary, the available evidence is currently insufficient to determine the role of this variant in disease. Therefore, it has been classified as a Variant of Uncertain Significance.

NM_002181.4(IHH):c.327C>G (p.Asp109Glu)

Gene: IHH (Indian hedgehog signaling molecule; minus strand). Cytogenetic location: 2q35.
Variant type: single nucleotide variant.
Coding change: c.327C>G on transcript NM_002181.4 (MANE Select); coding-DNA position 327, C replaced by G.
Protein change: p.Asp109Glu; replaces aspartic acid 109 with glutamic acid.
Molecular consequence: missense variant.
Genome position (GRCh38, 1-based): chr2:219,057,683, G>C on the plus strand (C>G on the coding strand, the complement: IHH is on the minus strand). VCF-style: chr2-219057683-G-C. GRCh37 (hg19) VCF-style: chr2-219922405-G-C.
Other names: short protein forms D109E.
Identifiers: ClinVar variation 3680573 (VCV003680573.2).
Genomic context (GRCh38, chr2:219,057,683, plus strand): 5'-CACCCGCAGCTTCACACCGGGCCACTGGTTCATCACCGAGATAGCCAGCGAGTTCAGGCG[G>C]TCCTTGCAGCGCTGGGAGAGGAATGTGCGCGAAATCAACCAGAGCGAAATCAGCCGGAGG-3'
Protein context (NP_002172.2, residues 99-119): ADRLMTQRCK[Asp109Glu]RLNSLAISVM